The following is an entry in ClinVar:

NM_024426.6(WT1):c.1246C>A (p.His416Asn)

Gene: WT1 (WT1 transcription factor; minus strand). Cytogenetic location: 11p13.
Variant type: single nucleotide variant.
Coding change: c.1246C>A on transcript NM_024426.6 (MANE Select); coding-DNA position 1246, C replaced by A.
Protein change: p.His416Asn; replaces histidine 416 with asparagine.
Molecular consequence: missense variant. On other transcripts: non-coding transcript variant (2).
Genome position (GRCh38, 1-based): chr11:32,396,275, G>T on the plus strand (C>A on the coding strand, the complement: WT1 is on the minus strand). VCF-style: chr11-32396275-G-T. GRCh37 (hg19) VCF-style: chr11-32417821-G-T.
Other names: c.1195C>A, p.His399Asn (NM_000378.6, NM_001407045.1, NM_001407048.1 and 1 more transcripts); c.595C>A, p.His199Asn (NM_001198551.2); c.544C>A, p.His182Asn (NM_001198552.2); c.58C>A, p.His20Asn (NM_001367854.1); c.1240C>A, p.His414Asn (NM_001407044.1); c.1246C>A, p.His416Asn (NM_001407046.1, NM_024424.5); c.1123C>A, p.His375Asn (NM_001407047.1); c.1072C>A, p.His358Asn (NM_001407050.1); and 2 more; short protein forms H162N, H182N, H199N, H20N, H358N, H375N, H394N, H399N.
Identifiers: ClinVar variation 3042628 (VCV003042628.3), dbSNP rs2132939364, ClinGen allele CA379959802.

ClinVar aggregate classification (germline): Uncertain significance. Review status: criteria provided, single submitter (1 of 4 stars). 2 submissions from 2 submitters: Uncertain significance (1). 1 of the submissions does not count toward it. Last evaluated 2026-07-22.

Conditions:
WT1-related disorder. Also called: WT1-related disorders. Identifiers: MedGen CN377814.
Inborn genetic diseases. Identifiers: MedGen C0950123, MeSH D030342.

Submissions (2):

Ambry Genetics
Classification: Uncertain significance for Inborn genetic diseases. Last evaluated: 2026-07-22. Review status: criteria provided, single submitter. Criteria: Ambry Variant Classification Scheme 2023. Collection method: clinical testing. Allele origin: germline.
Comment: The p.H411N variant (also known as c.1231C>A), located in coding exon 7 of the WT1 gene, results from a C to A substitution at nucleotide position 1231. The histidine at codon 411 is replaced by asparagine, an amino acid with similar properties. This amino acid position is conserved. In addition, this alteration is predicted to be deleterious by in silico analysis. Based on the available evidence, the clinical significance of this variant remains unclear.

PreventionGenetics, part of Exact Sciences
Classification: Uncertain significance for WT1-related condition. Last evaluated: 2024-08-13. Review status: no assertion criteria provided. Collection method: clinical testing. Allele origin: germline. Not counted in ClinVar's aggregate classification.
Comment: The WT1 c.1231C>A variant is predicted to result in the amino acid substitution p.His411Asn. To our knowledge, this variant has not been reported in the literature or in gnomAD, indicating this variant is rare. At this time, the clinical significance of this variant is uncertain due to the absence of conclusive functional and genetic evidence.